The following is an entry in ClinVar:

NM_002599.5(PDE2A):c.1227C>G (p.Asp409Glu)

Genes: PDE2A (phosphodiesterase 2A; minus strand), PDE2A-AS2 (PDE2A antisense RNA 2; plus strand). Cytogenetic location: 11q13.4.
Variant type: single nucleotide variant.
Coding change: c.1227C>G on transcript NM_002599.5 (MANE Select); coding-DNA position 1227, C replaced by G.
Protein change: p.Asp409Glu; replaces aspartic acid 409 with glutamic acid.
Molecular consequence: missense variant.
Genome position (GRCh38, 1-based): chr11:72,585,430, G>C on the plus strand (C>G on the coding strand, the complement: PDE2A is on the minus strand). VCF-style: chr11-72585430-G-C. GRCh37 (hg19) VCF-style: chr11-72296474-G-C.
Other names: c.1206C>G, p.Asp402Glu (NM_001143839.4); c.1200C>G, p.Asp400Glu (NM_001146209.3); c.1164C>G, p.Asp388Glu (NM_001243784.2); short protein forms D388E, D402E, D409E, D400E.
Identifiers: ClinVar variation 2109711 (VCV002109711.4), dbSNP rs1249687173, ClinGen allele CA381759744.

ClinVar aggregate classification (germline): Uncertain significance (1 of 4 stars; one submission).

gnomAD v4.1: 3 of 1,613,956 alleles (0.00019%); highest among the groups gnomAD compares: Non-Finnish European, 0.000085%; no homozygotes.

Submission:

Labcorp Genetics (formerly Invitae), Labcorp
Classification: Uncertain significance. Last evaluated: 2024-11-18. Review status: criteria provided, single submitter. Criteria: Invitae Variant Classification Sherloc (09022015). Collection method: clinical testing. Allele origin: germline.
Comment: This sequence change replaces aspartic acid, which is acidic and polar, with glutamic acid, which is acidic and polar, at codon 409 of the PDE2A protein (p.Asp409Glu). The frequency data for this variant in the population databases is considered unreliable, as metrics indicate poor data quality at this position in the gnomAD database. This variant has not been reported in the literature in individuals affected with PDE2A-related conditions. ClinVar contains an entry for this variant (Variation ID: 2109711). An algorithm developed to predict the effect of missense changes on protein structure and function (PolyPhen-2) suggests that this variant is likely to be disruptive. In summary, the available evidence is currently insufficient to determine the role of this variant in disease. Therefore, it has been classified as a Variant of Uncertain Significance.